The following is an entry in ClinVar:

NM_018062.4(FANCL):c.992A>C (p.Gln331Pro)

Gene: FANCL (FA complementation group L; minus strand). Cytogenetic location: 2p16.1.
Variant type: single nucleotide variant.
Coding change: c.992A>C on transcript NM_018062.4 (MANE Select); coding-DNA position 992, A replaced by C.
Protein change: p.Gln331Pro; replaces glutamine 331 with proline.
Molecular consequence: missense variant.
Genome position (GRCh38, 1-based): chr2:58,161,550, T>G on the plus strand (A>C on the coding strand, the complement: FANCL is on the minus strand). VCF-style: chr2-58161550-T-G. GRCh37 (hg19) VCF-style: chr2-58388685-T-G.
Other names: c.1007A>C, p.Gln336Pro (NM_001114636.2); c.1037A>C, p.Gln346Pro (NM_001374615.1); c.1052A>C, p.Gln351Pro (NM_001410792.1); short protein forms Q346P, Q331P, Q336P, Q351P.
Identifiers: ClinVar variation 1032785 (VCV001032785.1), dbSNP rs746967598, ClinGen allele CA1670363.

ClinVar aggregate classification (germline): Uncertain significance (1 of 4 stars; one submission).

Conditions:
Fanconi anemia complementation group L (FANCL). Also called: FANCL-Related Fanconi Anemia. Identifiers: Orphanet 84, MedGen C3469528, MONDO:0013566, OMIM 614083.

Allele frequency attached by ClinVar (database versions not stated): gnomAD exomes below 0.00001 and 0.00001; ExAC 0.00001.
gnomAD v4.1: 4 of 1,610,316 alleles (0.00025%); highest among the groups gnomAD compares: Admixed American, 0.005%; no homozygotes.

Submission:

Baylor Genetics
Classification: Uncertain significance for Fanconi anemia complementation group L. Last evaluated: 2018-11-19. Review status: criteria provided, single submitter. Criteria: ACMG Guidelines, 2015. Collection method: clinical testing. Allele origin: unknown. Affected: yes.
Comment: This variant was determined to be of uncertain significance according to ACMG Guidelines, 2015 [PMID:25741868].